The following is an entry in ClinVar:

ClinVar aggregate classification (germline): Uncertain significance. Review status: criteria provided, multiple submitters, no conflicts (2 of 4 stars). 3 submissions from 3 submitters: Uncertain significance (3). Last evaluated 2025-08-05.

Conditions:
Hereditary cancer-predisposing syndrome. Also called: Tumor predisposition; Hereditary Cancer Syndrome; Neoplastic Syndromes, Hereditary; Hereditary neoplastic syndrome. Identifiers: Orphanet 140162, MedGen C0027672, MeSH D009386, MONDO:0015356.
Breast-ovarian cancer, familial, susceptibility to, 4. Identifiers: Orphanet 145, MedGen C3280345, MONDO:0013669, OMIM 614291.

Submissions (3):

Ambry Genetics
Classification: Uncertain significance for Hereditary cancer-predisposing syndrome. Last evaluated: 2025-08-05. Review status: criteria provided, single submitter. Criteria: Ambry Variant Classification Scheme 2023. Collection method: clinical testing. Allele origin: germline.
Comment: The p.A52T variant (also known as c.154G>A), located in coding exon 3 of the RAD51D gene, results from a G to A substitution at nucleotide position 154. The alanine at codon 52 is replaced by threonine, an amino acid with similar properties. This amino acid position is conserved. In addition, this alteration is predicted to be tolerated by in silico analysis. Since supporting evidence is limited at this time, the clinical significance of this alteration remains unclear.

Labcorp Genetics (formerly Invitae), Labcorp
Classification: Uncertain significance for Breast-ovarian cancer, familial, susceptibility to, 4. Last evaluated: 2025-04-13. Review status: criteria provided, single submitter. Criteria: Invitae Variant Classification Sherloc (09022015). Collection method: clinical testing. Allele origin: germline.
Comment: This sequence change replaces alanine, which is neutral and non-polar, with threonine, which is neutral and polar, at codon 52 of the RAD51D protein (p.Ala52Thr). This variant is not present in population databases (gnomAD no frequency). This variant has not been reported in the literature in individuals affected with RAD51D-related conditions. ClinVar contains an entry for this variant (Variation ID: 490136). Invitae Evidence Modeling of protein sequence and biophysical properties (such as structural, functional, and spatial information, amino acid conservation, physicochemical variation, residue mobility, and thermodynamic stability) indicates that this missense variant is not expected to disrupt RAD51D protein function with a negative predictive value of 80%. In summary, the available evidence is currently insufficient to determine the role of this variant in disease. Therefore, it has been classified as a Variant of Uncertain Significance.

Color Diagnostics, LLC DBA Color Health
Classification: Uncertain significance for Hereditary cancer-predisposing syndrome. Last evaluated: 2023-12-05. Review status: criteria provided, single submitter. Criteria: ACMG Guidelines, 2015. Collection method: clinical testing. Allele origin: germline.
Comment: This missense variant replaces alanine with threonine at codon 52 of the RAD51D protein. Computational prediction suggests that this variant may not impact protein structure and function (internally defined REVEL score threshold <= 0.5, PMID: 27666373). To our knowledge, functional studies have not been reported for this variant. This variant has not been reported in individuals affected with RAD51D-related disorders in the literature. This variant has not been identified in the general population by the Genome Aggregation Database (gnomAD). The available evidence is insufficient to determine the role of this variant in disease conclusively. Therefore, this variant is classified as a Variant of Uncertain Significance.

NM_002878.4(RAD51D):c.154G>A (p.Ala52Thr)

Genes: RAD51D (RAD51 paralog D; minus strand), RAD51L3-RFFL (RAD51L3-RFFL readthrough; minus strand). Cytogenetic location: 17q12.
Variant type: single nucleotide variant.
Coding change: c.154G>A on transcript NM_002878.4 (MANE Select); coding-DNA position 154, G replaced by A.
Protein change: p.Ala52Thr; replaces alanine 52 with threonine.
Molecular consequence: missense variant. On other transcripts: intron variant (2).
Genome position (GRCh38, 1-based): chr17:35,118,610, C>T on the plus strand (G>A on the coding strand, the complement: RAD51D is on the minus strand). VCF-style: chr17-35118610-C-T. GRCh37 (hg19) VCF-style: chr17-33445629-C-T.
Other names: c.144+501G>A (NM_133629.3, NM_001142571.2); short protein forms A52T.
Identifiers: ClinVar variation 490136 (VCV000490136.15), dbSNP rs1555570297, ClinGen allele CA399091602.
Genomic context (GRCh38, chr17:35,118,610, plus strand): 5'-AGAGATCAGCGCCATTCACGGGGAAAGCCGAGAACTGAGCCAGCAGCACCCGCCTCAGGG[C>T]AACCAGGGCCTGCCAAAGGGCCCCAGACTGCTCAGCAACAAATTGCCCGTAGAAGCTGGC-3'
Protein context (NP_002869.3, residues 42-62): KCGLSYKALV[Ala52Thr]LRRVLLAQFS